The following is an entry in ClinVar:

ClinVar aggregate classification (germline): Uncertain significance (1 of 4 stars; one submission).

Allele frequency attached by ClinVar (database versions not stated): ExAC 0.00003; gnomAD exomes 0.00003; gnomAD 0.00013 and 0.00014.
gnomAD v4.1: 33 of 1,613,546 alleles (0.002%); highest among the groups gnomAD compares: African/African-American, 0.04%; no homozygotes.

Submission:

Labcorp Genetics (formerly Invitae), Labcorp
Classification: Uncertain significance. Last evaluated: 2025-04-03. Review status: criteria provided, single submitter. Criteria: Invitae Variant Classification Sherloc (09022015). Collection method: clinical testing. Allele origin: germline.
Comment: This sequence change replaces glutamic acid, which is acidic and polar, with lysine, which is basic and polar, at codon 467 of the NFKB1 protein (p.Glu467Lys). This variant is present in population databases (rs765742100, gnomAD 0.05%). This variant has not been reported in the literature in individuals affected with NFKB1-related conditions. ClinVar contains an entry for this variant (Variation ID: 1351383). An algorithm developed to predict the effect of missense changes on protein structure and function outputs the following: PolyPhen-2: "Benign". The lysine amino acid residue is found in multiple mammalian species, which suggests that this missense change does not adversely affect protein function. In summary, the available evidence is currently insufficient to determine the role of this variant in disease. Therefore, it has been classified as a Variant of Uncertain Significance.

NM_003998.4(NFKB1):c.1399G>A (p.Glu467Lys)

Gene: NFKB1 (nuclear factor kappa B subunit 1; plus strand). Cytogenetic location: 4q24.
Variant type: single nucleotide variant.
Coding change: c.1399G>A on transcript NM_003998.4 (MANE Select); coding-DNA position 1399, G replaced by A.
Protein change: p.Glu467Lys; replaces glutamic acid 467 with lysine.
Molecular consequence: missense variant.
Genome position (GRCh38, 1-based): chr4:102,596,236, G>A. VCF-style: chr4-102596236-G-A. GRCh37 (hg19) VCF-style: chr4-103517393-G-A.
Other names: c.1396G>A, p.Glu466Lys (NM_001165412.2, NM_001319226.2, NM_001382627.1); c.1399G>A, p.Glu467Lys (NM_001382625.1, NM_001382626.1); c.1357G>A, p.Glu453Lys (NM_001382628.1); short protein forms E467K, E453K, E466K.
Identifiers: ClinVar variation 1351383 (VCV001351383.8), dbSNP rs765742100, ClinGen allele CA3026144.